The following is an entry in ClinVar:

ClinVar aggregate classification (germline): Pathogenic. Review status: criteria provided, multiple submitters, no conflicts (2 of 4 stars). 2 submissions from 2 submitters: Pathogenic (2). Last evaluated 2025-07-16.

Conditions:
Stickler syndrome. Identifiers: Orphanet 828, MedGen C0265253, MONDO:0019354.
COL2A1-related disorder. Also called: COL2A1-related condition; COL2A1-related disorders.

Submissions (2):

Cambridge Genomics Laboratory, East Genomic Laboratory Hub, NHS Genomic Medicine Service
Classification: Pathogenic for Stickler syndrome. Last evaluated: 2025-07-16. Review status: criteria provided, single submitter. Criteria: ACGS Best Practice Guidelines for Variant Classification in Rare Disease 2020. Collection method: clinical testing. Allele origin: germline. Affected: yes.
Comment: PVS1,PM2,PP4

Blueprint Genetics
Classification: Pathogenic for COL2A1-related disorders. Last evaluated: 2022-10-04. Review status: criteria provided, single submitter. Criteria: ACMG Guidelines, 2015. Collection method: clinical testing. Allele origin: germline. Affected: yes. Observed: 4 variant alleles.

NM_001844.5(COL2A1):c.4010G>A (p.Trp1337Ter)

Gene: COL2A1 (collagen type II alpha 1 chain; minus strand). Cytogenetic location: 12q13.11.
Variant type: single nucleotide variant.
Coding change: c.4010G>A on transcript NM_001844.5 (MANE Select); coding-DNA position 4010, G replaced by A.
Protein change: p.Trp1337Ter; replaces tryptophan 1337 with a stop codon.
Molecular consequence: nonsense.
Genome position (GRCh38, 1-based): chr12:47,974,739, C>T on the plus strand (G>A on the coding strand, the complement: COL2A1 is on the minus strand). VCF-style: chr12-47974739-C-T. GRCh37 (hg19) VCF-style: chr12-48368522-C-T.
Other names: c.3803G>A, p.Trp1268Ter (NM_033150.3); short protein forms W1268*, W1337*.
Identifiers: ClinVar variation 4683180 (VCV004683180.2).